The following is an entry in ClinVar:

ClinVar aggregate classification (germline): Uncertain significance. Review status: criteria provided, multiple submitters, no conflicts (2 of 4 stars). 2 submissions from 2 submitters: Uncertain significance (2). Last evaluated 2025-09-28.

Conditions:
Charcot-Marie-Tooth disease axonal type 2U. Also called: CHARCOT-MARIE-TOOTH NEUROPATHY, TYPE 2U; CHARCOT-MARIE-TOOTH DISEASE, AXONAL, AUTOSOMAL DOMINANT, TYPE 2U. Identifiers: Orphanet 397735, MedGen C4084821, MONDO:0014566, OMIM 616280.
Severe early-onset pulmonary alveolar proteinosis due to MARS deficiency. Also called: PULMONARY ALVEOLAR PROTEINOSIS, REUNION ISLAND; Interstitial lung and liver disease. Identifiers: Orphanet 440427, MedGen C4225400, MONDO:0014206, OMIM 615486.

Allele frequency attached by ClinVar (database versions not stated): gnomAD exomes 0.00003; TOPMed 0.00003; ExAC 0.00002; gnomAD 0.00002.
gnomAD v4.1: 43 of 1,614,004 alleles (0.0027%); highest among the groups gnomAD compares: Middle Eastern, 0.016%; no homozygotes.

Submissions (2):

Labcorp Genetics (formerly Invitae), Labcorp
Classification: Uncertain significance for Charcot-Marie-Tooth disease axonal type 2U; Severe early-onset pulmonary alveolar proteinosis due to MARS deficiency. Last evaluated: 2025-09-28. Review status: criteria provided, single submitter. Criteria: Invitae Variant Classification Sherloc (09022015). Collection method: clinical testing. Allele origin: germline.
Comment: This sequence change replaces threonine, which is neutral and polar, with methionine, which is neutral and non-polar, at codon 762 of the MARS protein (p.Thr762Met). This variant is present in population databases (rs776051748, gnomAD 0.01%). This variant has not been reported in the literature in individuals affected with MARS-related conditions. ClinVar contains an entry for this variant (Variation ID: 1681783). An algorithm developed to predict the effect of missense changes on protein structure and function (PolyPhen-2) suggests that this variant is likely to be tolerated. In summary, the available evidence is currently insufficient to determine the role of this variant in disease. Therefore, it has been classified as a Variant of Uncertain Significance.

Ambry Genetics
Classification: Uncertain significance. Last evaluated: 2025-02-22. Review status: criteria provided, single submitter. Criteria: Ambry Variant Classification Scheme 2023. Collection method: clinical testing. Allele origin: germline.

NM_004990.4(MARS1):c.2285C>T (p.Thr762Met)

Gene: MARS1 (methionyl-tRNA synthetase 1; plus strand). Cytogenetic location: 12q13.3.
Variant type: single nucleotide variant.
Coding change: c.2285C>T on transcript NM_004990.4 (MANE Select); coding-DNA position 2285, C replaced by T.
Protein change: p.Thr762Met; replaces threonine 762 with methionine.
Molecular consequence: missense variant.
Genome position (GRCh38, 1-based): chr12:57,515,230, C>T. VCF-style: chr12-57515230-C-T. GRCh37 (hg19) VCF-style: chr12-57909013-C-T.
Other names: c.2285C>T (NM_004990.3); short protein forms T762M.
Identifiers: ClinVar variation 1681783 (VCV001681783.11), dbSNP rs776051748, ClinGen allele CA6650769.